The following is an entry in ClinVar:

NM_001384732.1(CPLANE1):c.3673-19G>A

Gene: CPLANE1 (ciliogenesis and planar polarity effector complex subunit 1; minus strand). Cytogenetic location: 5p13.2.
Variant type: single nucleotide variant.
Coding change: c.3673-19G>A on transcript NM_001384732.1 (MANE Select); 19 bases into the intron before coding-DNA position 3673, G replaced by A.
Molecular consequence: intron variant.
Genome position (GRCh38, 1-based): chr5:37,196,015, C>T on the plus strand (G>A on the coding strand, the complement: CPLANE1 is on the minus strand). VCF-style: chr5-37196015-C-T. GRCh37 (hg19) VCF-style: chr5-37196117-C-T.
Other names: c.3673-19G>A (NM_023073.4).
Identifiers: ClinVar variation 1471508 (VCV001471508.6), dbSNP rs1007608346, ClinGen allele CA117075290.

ClinVar aggregate classification (germline): Uncertain significance (1 of 4 stars; one submission).

Allele frequency attached by ClinVar (database versions not stated): gnomAD exomes below 0.00001; TOPMed below 0.00001; gnomAD 0.00001.
gnomAD v4.1: 14 of 1,576,878 alleles (0.00089%); highest among the groups gnomAD compares: East Asian, 0.0023%; no homozygotes.

Submission:

Labcorp Genetics (formerly Invitae), Labcorp
Classification: Uncertain significance. Last evaluated: 2022-11-01. Review status: criteria provided, single submitter. Criteria: Invitae Variant Classification Sherloc (09022015). Collection method: clinical testing. Allele origin: germline.
Comment: This sequence change falls in intron 20 of the CPLANE1 gene. It does not directly change the encoded amino acid sequence of the CPLANE1 protein. This variant is present in population databases (no rsID available, gnomAD 0.005%). This variant has not been reported in the literature in individuals affected with CPLANE1-related conditions. ClinVar contains an entry for this variant (Variation ID: 1471508). Algorithms developed to predict the effect of sequence changes on RNA splicing suggest that this variant may disrupt the consensus splice site. In summary, the available evidence is currently insufficient to determine the role of this variant in disease. Therefore, it has been classified as a Variant of Uncertain Significance.